The following is an entry in ClinVar:

NM_016373.4(WWOX):c.954G>A (p.Ser318=)

Gene: WWOX (WW domain containing oxidoreductase; plus strand). Cytogenetic location: 16q23.1.
Variant type: single nucleotide variant.
Coding change: c.954G>A on transcript NM_016373.4 (MANE Select); coding-DNA position 954, G replaced by A.
Protein change: p.Ser318=; no amino-acid change (serine 318 retained).
Molecular consequence: synonymous variant.
Genome position (GRCh38, 1-based): chr16:78,432,650, G>A. VCF-style: chr16-78432650-G-A. GRCh37 (hg19) VCF-style: chr16-78466547-G-A.
Other names: c.615G>A, p.Ser205= (NM_001291997.2).
Identifiers: ClinVar variation 512471 (VCV000512471.4), dbSNP rs971458936, ClinGen allele CA496698472.
Genomic context (GRCh38, chr16:78,432,650, plus strand): 5'-CTGCAACATCCTCTTCTCCAACGAGCTGCACCGTCGCCTCTCCCCACGCGGGGTCACGTC[G>A]AACGCAGTGCATCCTGGAAATATGATGTACTCCAACATTCATCGCAGCTGGTGGGTGTAC-3'
Protein context (NP_057457.1, residues 308-328): HRRLSPRGVT[Ser318=]NAVHPGNMMY

ClinVar aggregate classification (germline): Likely benign. Review status: criteria provided, multiple submitters, no conflicts (2 of 4 stars). 2 submissions from 2 submitters: Likely benign (2). Last evaluated 2024-10-24.

Conditions:
Autosomal recessive spinocerebellar ataxia 12. Also called: SPINOCEREBELLAR ATAXIA WITH MENTAL RETARDATION AND EPILEPSY. Identifiers: Orphanet 284282, MedGen C3280452, MONDO:0013687, OMIM 614322.
Developmental and epileptic encephalopathy, 1 (DEE1). Also called: OHTAHARA SYNDROME, X-LINKED; INFANTILE SPASM SYNDROME, X-LINKED 1; Epileptic encephalopathy, early infantile, 1; X-linked infantile spasms; West's syndrome; Tonic spasms with clustering, arrest of psychomotor development and hypsarrhythmia on EEG. Identifiers: MedGen C3463992, MONDO:0010632, OMIM 308350. Disease mechanism: loss of function.

Allele frequency attached by ClinVar (database versions not stated): gnomAD exomes 0.00001; TOPMed 0.00002.
gnomAD v4.1: 15 of 1,614,036 alleles (0.00093%); highest among the groups gnomAD compares: African/African-American, 0.0013%; no homozygotes.

Submissions (2):

Labcorp Genetics (formerly Invitae), Labcorp
Classification: Likely benign for Developmental and epileptic encephalopathy, 1; Autosomal recessive spinocerebellar ataxia 12. Last evaluated: 2024-10-24. Review status: criteria provided, single submitter. Criteria: Invitae Variant Classification Sherloc (09022015). Collection method: clinical testing. Allele origin: germline.

GeneDx
Classification: Likely benign. Last evaluated: 2017-10-03. Review status: criteria provided, single submitter. Criteria: GeneDx Variant Classification (06012015). Collection method: clinical testing. Allele origin: germline. Affected: yes.
Comment: This variant is considered likely benign or benign based on one or more of the following criteria: it is a conservative change, it occurs at a poorly conserved position in the protein, it is predicted to be benign by multiple in silico algorithms, and/or has population frequency not consistent with disease.